The following is an entry in ClinVar:

ClinVar aggregate classification (germline): Uncertain significance. Review status: criteria provided, multiple submitters, no conflicts (2 of 4 stars). 2 submissions from 2 submitters: Uncertain significance (2). Last evaluated 2024-10-28.

Conditions:
Primary ciliary dyskinesia. Also called: Ciliary dyskinesia. Identifiers: Orphanet 244, MedGen C0008780, MONDO:0016575, HP:0012265.

Allele frequency attached by ClinVar (database versions not stated): ExAC 0.00001; gnomAD 0.00001; gnomAD exomes 0.00001; TOPMed 0.00002.
gnomAD v4.1: 6 of 1,613,888 alleles (0.00037%); highest among the groups gnomAD compares: Admixed American, 0.01%; no homozygotes.

Submissions (2):

Labcorp Genetics (formerly Invitae), Labcorp
Classification: Uncertain significance for Primary ciliary dyskinesia. Last evaluated: 2024-10-28. Review status: criteria provided, single submitter. Criteria: Invitae Variant Classification Sherloc (09022015). Collection method: clinical testing. Allele origin: germline.
Comment: This sequence change replaces leucine, which is neutral and non-polar, with arginine, which is basic and polar, at codon 698 of the RSPH4A protein (p.Leu698Arg). This variant is present in population databases (rs780723973, gnomAD 0.01%). This variant has not been reported in the literature in individuals affected with RSPH4A-related conditions. ClinVar contains an entry for this variant (Variation ID: 1785765). Invitae Evidence Modeling of protein sequence and biophysical properties (such as structural, functional, and spatial information, amino acid conservation, physicochemical variation, residue mobility, and thermodynamic stability) indicates that this missense variant is not expected to disrupt RSPH4A protein function with a negative predictive value of 80%. In summary, the available evidence is currently insufficient to determine the role of this variant in disease. Therefore, it has been classified as a Variant of Uncertain Significance.

Ambry Genetics
Classification: Uncertain significance for Primary ciliary dyskinesia. Last evaluated: 2022-08-27. Review status: criteria provided, single submitter. Criteria: Ambry Variant Classification Scheme 2023. Collection method: clinical testing. Allele origin: germline.
Comment: The p.L698R variant (also known as c.2093T>G), located in coding exon 6 of the RSPH4A gene, results from a T to G substitution at nucleotide position 2093. The leucine at codon 698 is replaced by arginine, an amino acid with dissimilar properties. This amino acid position is conserved. In addition, this alteration is predicted to be tolerated by in silico analysis. Since supporting evidence is limited at this time, the clinical significance of this alteration remains unclear.

NM_001010892.3(RSPH4A):c.2093T>G (p.Leu698Arg)

Gene: RSPH4A (radial spoke head component 4A; plus strand). Cytogenetic location: 6q22.1.
Variant type: single nucleotide variant.
Coding change: c.2093T>G on transcript NM_001010892.3 (MANE Select); coding-DNA position 2093, T replaced by G.
Protein change: p.Leu698Arg; replaces leucine 698 with arginine.
Molecular consequence: missense variant. On other transcripts: 3 prime UTR variant (1).
Genome position (GRCh38, 1-based): chr6:116,632,383, T>G. VCF-style: chr6-116632383-T-G. GRCh37 (hg19) VCF-style: chr6-116953546-T-G.
Other names: c.*154T>G (NM_001161664.2); short protein forms L698R.
Identifiers: ClinVar variation 1785765 (VCV001785765.4), dbSNP rs780723973, ClinGen allele CA3971110.